The following is an entry in ClinVar:

ClinVar aggregate classification (germline): Likely pathogenic. Review status: reviewed by expert panel (3 of 4 stars). 7 submissions from 7 submitters: Likely pathogenic (1). 6 of the submissions do not count toward it. Last evaluated 2017-04-03.

Conditions:
RASopathy. Also called: rasopathies; Noonan spectrum disorder. Identifiers: Orphanet 536391, MedGen C5555857, MONDO:0021060.
Noonan syndrome (NS). Also called: Noonan's syndrome. Identifiers: Orphanet 648, MedGen C0028326, MeSH D009634, MONDO:0018997. Disease mechanism: gain of function.
Noonan syndrome 1 (NS1). Also called: FEMALE PSEUDO-TURNER SYNDROME; PTPN11-Related Noonan Syndrome; TURNER PHENOTYPE WITH NORMAL KARYOTYPE. Identifiers: Orphanet 648, MedGen C4551602, MONDO:0008104, OMIM 163950. Disease mechanism: gain of function.

Submissions (7):

ClinGen RASopathy Variant Curation Expert Panel
Classification: Likely pathogenic for Noonan syndrome and Noonan-related syndrome. Last evaluated: 2017-04-03. Review status: reviewed by expert panel. Criteria: ClinGen RASopathy ACMG Specifications v1. Collection method: curation. Allele origin: germline. Inheritance: Autosomal dominant inheritance.
Comment: The c.788T>G (p.Val263Gly) variant in RAF1 has been reported in the literature as an unconfirmed de novo occurrence in a patient with clinical features of a RASopathy (PM6; GeneDx internal data; GTR ID: 26957; ClinVar SCV000061370.9). The p.Val263Gly variant has been identified in 6 other independent occurrences in patients with a RASopathy (PS4 not met; Partners LMM, Blueprint genetics, Institute of Human Genetics, Otto von Guericke University Magdeburg, APHP-Robert DebrâˆšÂ© Hospital internal data; GTR ID's: 21766, 500188, 506381, 28338; ClinVar SCV000209021.9, SCV000207170.1). This variant was absent from large population studies (PM2; ExAC). A different pathogenic missense variant has been previously identified at this codon of RAF1 which may indicate that this residue is critical to the function of the protein (PM5; ClinVar 496189, 40608). Furthermore, the variant is in a location that has been defined by the ClinGen RASopathy Expert Panel to be a mutational hotspot or domain of RAF1 (PM1; PMID 29493581). The variant is located in the RAF1 gene, which has been defined by the ClinGen RASopathy Expert Panel as a gene with a low rate of benign missense variants and pathogenic missense variants are common (PP2; PMID: 29493581). Computational prediction tools and conservation analysis suggest that the p.Val263Gly variant may impact the protein (PP3). In summary, this variant meets criteria to be classified as likely pathogenic for RASopathies in an autosomal dominant manner. RASopathy-specific ACMG/AMP criteria applied (PMID:29493581): PM6, PM5, PM2, PM1, PP3, PP2.

GeneDx
Classification: Pathogenic. Last evaluated: 2026-10-08. Review status: criteria provided, single submitter. Criteria: GeneDx Variant Classification Process June 2021. Collection method: clinical testing. Allele origin: germline. Not counted in ClinVar's aggregate classification.
Comment: Not observed at significant frequency in large population cohorts (gnomAD); In silico analysis supports that this missense variant has a deleterious effect on protein structure/function; Missense variants in this gene are a common cause of disease and they are underrepresented in the general population; This variant is associated with the following publications: (PMID: 40127276, 30157809, 30732632, 30095857, 29271604, 31145547, 31219622, 31560489, 35979676, 22821648, 38205249, 35666834, 38936599, 33128510, 40102575, 17603483, 17603482, 19020799, 24957944, 15520807, 29493581, 9689060, 42274072)

ARUP Laboratories, Molecular Genetics and Genomics, ARUP Laboratories
Classification: Pathogenic. Last evaluated: 2025-07-03. Review status: criteria provided, single submitter. Criteria: ARUP Molecular Germline Variant Investigation Process 2024. Collection method: clinical testing. Allele origin: germline. Not counted in ClinVar's aggregate classification.
Comment: The RAF1 c.788T>G; p.Val263Gly variant (rs397516830, ClinVar Variation ID: 40607) is reported in the literature in multiple individuals affected with Noonan syndrome including de novo occurrences (Chen 2019, Ghedira 2018, Razzaque 2007, Swarts 2022). This variant is absent from the Genome Aggregation Database (v2.1.1), indicating it is not a common polymorphism. This variant occurs in a mutational hot spot and computational analyses predict that this variant is deleterious (REVEL: 0.736). Based on available information, this variant is considered to be pathogenic. References: Chen H et al. Clinical and mutation profile of pediatric patients with RASopathy-associated hypertrophic cardiomyopathy: results from a Chinese cohort. Orphanet J Rare Dis. 2019 Feb 7;14(1):29. PMID: 30732632. Ghedira N et al. Clinical profile of comorbidity of rare diseases in a Tunisian patient: a case report associating incontinentia pigmenti and Noonan syndrome. BMC Pediatr. 2018 Aug 29;18(1):286. PMID: 30157809. Razzaque MA et al. Germline gain-of-function mutations in RAF1 cause Noonan syndrome. Nat Genet. 2007 Aug;39(8):1013-7. PMID: 17603482. Swarts JW et al. Lymphatic anomalies during lifetime in patients with Noonan syndrome: Retrospective cohort study. Am J Med Genet A. 2022 Nov;188(11):3242-3261. PMID: 35979676.

Labcorp Genetics (formerly Invitae), Labcorp
Classification: Pathogenic for RASopathy. Last evaluated: 2023-10-22. Review status: criteria provided, single submitter. Criteria: Invitae Variant Classification Sherloc (09022015). Collection method: clinical testing. Allele origin: germline. Not counted in ClinVar's aggregate classification.
Comment: This sequence change replaces valine, which is neutral and non-polar, with glycine, which is neutral and non-polar, at codon 263 of the RAF1 protein (p.Val263Gly). This variant is not present in population databases (gnomAD no frequency). This missense change has been observed in individual(s) with Noonan syndrome (PMID: 30157809, 30732632). In at least one individual the variant was observed to be de novo. ClinVar contains an entry for this variant (Variation ID: 40607). Advanced modeling of protein sequence and biophysical properties (such as structural, functional, and spatial information, amino acid conservation, physicochemical variation, residue mobility, and thermodynamic stability) performed at Invitae indicates that this missense variant is expected to disrupt RAF1 protein function. This variant disrupts the p.Val263 amino acid residue in RAF1. Other variant(s) that disrupt this residue have been determined to be pathogenic (PMID: 17603482; Invitae). This suggests that this residue is clinically significant, and that variants that disrupt this residue are likely to be disease-causing. For these reasons, this variant has been classified as Pathogenic.

Women's Health and Genetics/Laboratory Corporation of America, LabCorp
Classification: Pathogenic for Rasopathy. Last evaluated: 2020-04-01. Review status: criteria provided, single submitter. Criteria: LabCorp Variant Classification Summary - May 2015. Collection method: clinical testing. Allele origin: germline. Inheritance: Autosomal dominant inheritance. Not counted in ClinVar's aggregate classification.
Comment: RAF1 c.788T>G (p.Val263Gly) results in a non-conservative amino acid change located in a region of the CR2 functional domain of the encoded protein sequence supporting pathogenicity, as defined by the ClinGen RASopathy Expert Panel (PM1; PMID 29493581). Five of five in-silico tools predict a damaging effect of the variant on protein function (PP3). The variant was absent in 251466 control chromosomes in the gnomAD database (PM2). c.788T>G has been reported in the literature in at least 5 individuals affected with Noonan Syndrome and Related Conditions (e.g. Chen_2019, Clinton_2019, Ghedira_2018, Rodriguez_2019, Schulz_2012) (PS4). The variant was reported as a de novo occurrence (confirmed via parental testing) in at least 3 of the documented patients (e.g. Chen_2019, Ghedira_2018, Schulz_2012) (PS2). Additional patients with clinical features of a RASopathy or specifically Noonan syndrome have been reported in the ClinVar database (SCV000616423.3, SCV000061370.6). These data indicate that the variant is very likely to be associated with disease. To our knowledge, no experimental evidence demonstrating an impact on protein function has been reported. However, a different variant affecting the same amino acid, p.Val263Ala, has been functionally assessed and showed increased in vitro kinase and ERK activation, behaving as a gain-of-function mutant (PMID 17603482). Kobayashi et al (2010) (PMID 20052757) report in their study that mutations in RAF1 were clustered in the conserved region 2 (CR2) domain, which carries an inhibitory phosphorylation site (S259). Functional studies suggest that dephosphorylation of S259 is the primary pathogenic mechanism in the activation of RAF1 mutants located in the CR2 domain. The ClinGen RASopathy Variant Curation Expert Panel cites the variant in ClinVar (evaluation after 2014) as likely pathogenic. Based on the evidence outlined above, the variant was re-classified as pathogenic.

Laboratory for Molecular Medicine, Mass General Brigham Personalized Medicine
Classification: Likely pathogenic for Noonan syndrome. Last evaluated: 2013-11-19. Review status: criteria provided, single submitter. Criteria: LMM Criteria. Collection method: clinical testing. Allele origin: germline. Inheritance: Autosomal dominant inheritance. Observed: 3 variant alleles. Not counted in ClinVar's aggregate classification.
Comment: The Val263Gly variant has now been identified by our laboratory in three individ uals with clinical features of Noonan syndrome. In addition, a different amino a cid change at the same position (Val263Ala) has also been associated with the cl inical features of Noonan syndrome (Razzaque 2007). This variant has not been i dentified in large population studies. Computational analyses (biochemical amino acid properties, conservation, AlignGVGD, PolyPhen2, and SIFT) suggest that thi s variant may impact the protein. Of note, individuals with pathogenic variants in exon 7 or 17 in RAF1 have a high incidence of hypertrophic cardiomyopathy (80 -95%, Razzaque 2007). In summary, the Val263Gly variant is likely to be pathogen ic, although additional information is needed to fully establish its clinical si gnificance.

Molecular Genetics, Centre for Human Genetics
Classification: Pathogenic for Noonan syndrome 1. Review status: no assertion criteria provided. Collection method: clinical testing. Allele origin: de novo. Inheritance: Autosomal dominant inheritance. Affected: yes. Observed: 1 variant allele. Not counted in ClinVar's aggregate classification.

Literature cited by the submitters: PubMed 29493581 (cited by ClinGen RASopathy Variant Curation Expert Panel); PubMed 30157809 (cited by Labcorp Genetics (formerly Invitae), Labcorp and Women's Health and Genetics/Laboratory Corporation of America, LabCorp); PubMed 30732632 (cited by Labcorp Genetics (formerly Invitae), Labcorp and Women's Health and Genetics/Laboratory Corporation of America, LabCorp); PubMed 17603482 (cited by Labcorp Genetics (formerly Invitae), Labcorp and Laboratory for Molecular Medicine, Mass General Brigham Personalized Medicine); PubMed 31560489 (cited by Women's Health and Genetics/Laboratory Corporation of America, LabCorp); PubMed 31145547 (cited by Women's Health and Genetics/Laboratory Corporation of America, LabCorp); PubMed 22821648 (cited by Women's Health and Genetics/Laboratory Corporation of America, LabCorp).

NM_002880.4(RAF1):c.788T>G (p.Val263Gly)

Gene: RAF1 (Raf-1 proto-oncogene, serine/threonine kinase; minus strand). Cytogenetic location: 3p25.2.
Variant type: single nucleotide variant.
Coding change: c.788T>G on transcript NM_002880.4 (MANE Select); coding-DNA position 788, T replaced by G.
Protein change: p.Val263Gly; replaces valine 263 with glycine.
Molecular consequence: missense variant. On other transcripts: non-coding transcript variant (3).
Genome position (GRCh38, 1-based): chr3:12,604,182, A>C on the plus strand (T>G on the coding strand, the complement: RAF1 is on the minus strand). VCF-style: chr3-12604182-A-C. GRCh37 (hg19) VCF-style: chr3-12645681-A-C.
Other names: p.V263G:GTC>GGC; NM_002880.3(RAF1):c.788T>G; c.788T>G, p.Val263Gly (NM_001354689.3, NM_001354690.3); c.545T>G, p.Val182Gly (NM_001354691.3, NM_001354692.3, NM_001354694.3); c.689T>G, p.Val230Gly (NM_001354693.3); c.446T>G, p.Val149Gly (NM_001354695.3); short protein forms V263G, V182G, V149G, V230G.
Identifiers: ClinVar variation 40607 (VCV000040607.21), dbSNP rs397516830, ClinGen allele CA273745.